The following is an entry in ClinVar:

ClinVar aggregate classification (germline): Uncertain significance (1 of 4 stars; one submission).

Submission:

Labcorp Genetics (formerly Invitae), Labcorp
Classification: Uncertain significance. Last evaluated: 2022-05-15. Review status: criteria provided, single submitter. Criteria: Invitae Variant Classification Sherloc (09022015). Collection method: clinical testing. Allele origin: germline.
Comment: This variant results in a copy number gain of the genomic region encompassing exon(s) 11-15 of the SEMA4A gene. This region includes the termination codon of the gene. This copy number gain extends beyond the assayed region for this gene and therefore may encompass additional genes. As the precise location of this event is unknown, it may be in tandem or it may be located elsewhere in the genome. This variant has not been reported in the literature in individuals affected with SEMA4A-related conditions. Experimental studies and prediction algorithms are not available or were not evaluated, and the functional significance of this variant is currently unknown. In summary, the available evidence is currently insufficient to determine the role of this variant in disease. Therefore, it has been classified as a Variant of Uncertain Significance.

NC_000001.10:g.(?_156142597)_(156146788_?)dup

Gene: SEMA4A (semaphorin 4A; plus strand). Cytogenetic location: 1q22.
Variant type: Duplication.
Identifiers: ClinVar variation 2426741 (VCV002426741.4).